The following is an entry in ClinVar:

NM_002474.3(MYH11):c.2520+5G>A

Gene: MYH11 (myosin heavy chain 11; minus strand). Cytogenetic location: 16p13.11.
Variant type: single nucleotide variant.
Coding change: c.2520+5G>A on transcript NM_002474.3 (MANE Select); 5 bases into the intron after coding-DNA position 2520, G replaced by A.
Molecular consequence: intron variant.
Genome position (GRCh38, 1-based): chr16:15,745,124, C>T on the plus strand (G>A on the coding strand, the complement: MYH11 is on the minus strand). VCF-style: chr16-15745124-C-T. GRCh37 (hg19) VCF-style: chr16-15838981-C-T.
Other names: c.2520+5G>A (NM_022844.3); c.2541+5G>A (NM_001040114.2, NM_001040113.2).
Identifiers: ClinVar variation 3075413 (VCV003075413.1), dbSNP rs2506241335, ClinGen allele CA2825002396.

ClinVar aggregate classification (germline): Uncertain significance (1 of 4 stars; one submission).

Conditions:
Familial thoracic aortic aneurysm and aortic dissection (TAAD). Also called: Thoracic aortic aneurysms and dissections. Identifiers: Orphanet 91387, MedGen C4707243, MONDO:0019625.

Submission:

All of Us Research Program, National Institutes of Health
Classification: Uncertain significance for Familial thoracic aortic aneurysm and aortic dissection. Last evaluated: 2024-02-05. Review status: criteria provided, single submitter. Criteria: ACMG Guidelines, 2015. Collection method: clinical testing. Allele origin: germline. Inheritance: Autosomal dominant inheritance. Observed: 1 variant allele, 1 heterozygote.
Comment: This variant causes a G to A nucleotide substitution at the +5 position of intron 21 of the MYH11 gene. Splice site prediction tools predict that this variant may have a significant impact on RNA splicing. To our knowledge, functional studies have not been reported for this variant. This variant has not been reported in individuals affected with MYH11-related disorders in the literature. This variant has not been identified in the general population by the Genome Aggregation Database (gnomAD). The available evidence is insufficient to determine the role of this variant in disease conclusively. Therefore, this variant is classified as a Variant of Uncertain Significance.

This study involves interpretation of variants in research participants for the purpose of population health screening. Participant phenotype was not available at the time of variant classification. Additional details can be found in publication PMID: 35346344, PMCID: PMC8962531